The following is an entry in ClinVar:

NM_001244008.2(KIF1A):c.2913G>A (p.Val971=)

Gene: KIF1A (kinesin family member 1A; minus strand). Cytogenetic location: 2q37.3.
Variant type: single nucleotide variant.
Coding change: c.2913G>A on transcript NM_001244008.2 (MANE Select); coding-DNA position 2913, G replaced by A.
Protein change: p.Val971=; no amino-acid change (valine 971 retained).
Molecular consequence: synonymous variant.
Genome position (GRCh38, 1-based): chr2:240,750,493, C>T on the plus strand (G>A on the coding strand, the complement: KIF1A is on the minus strand). VCF-style: chr2-240750493-C-T. GRCh37 (hg19) VCF-style: chr2-241689910-C-T.
Other names: p.Val870=; c.2610G>A, p.Val870= (NM_001379649.1, NM_001379650.1, NM_001379651.1 and 6 more transcripts); c.2886G>A, p.Val962= (NM_001379645.1, NM_001379633.1, NM_001379642.1); c.2712G>A, p.Val904= (NM_001379646.1, NM_001330290.2, NM_001379634.1 and 1 more transcripts); c.2685G>A, p.Val895= (NM_001379648.1, NM_001379637.1); c.2637G>A, p.Val879= (NM_001320705.2, NM_001330289.2, NM_001379638.1); c.2988G>A, p.Val996= (NM_001379631.1); c.2862G>A, p.Val954= (NM_001379632.1).
Identifiers: ClinVar variation 4684670 (VCV004684670.1).

ClinVar aggregate classification (germline): Likely benign (1 of 4 stars; one submission).

gnomAD v4.1: 1 of 1,613,930 alleles (0.000062%); highest among the groups gnomAD compares: Non-Finnish European, 0.000085%; no homozygotes.

Submission:

Mayo Clinic Laboratories, Mayo Clinic
Classification: Likely benign. Last evaluated: 2025-04-15. Review status: criteria provided, single submitter. Criteria: ACMG Guidelines, 2015. Collection method: clinical testing. Allele origin: germline. Observed: 1 variant allele.
Comment: BP4, BP7